The following is an entry in ClinVar:

ClinVar aggregate classification (germline): Uncertain significance (1 of 4 stars; one submission).

gnomAD v4.1: 9 of 1,613,918 alleles (0.00056%); highest among the groups gnomAD compares: Non-Finnish European, 0.00059%; no homozygotes.

Submission:

Labcorp Genetics (formerly Invitae), Labcorp
Classification: Uncertain significance. Last evaluated: 2024-02-04. Review status: criteria provided, single submitter. Criteria: Invitae Variant Classification Sherloc (09022015). Collection method: clinical testing. Allele origin: germline.
Comment: This sequence change replaces glutamine, which is neutral and polar, with proline, which is neutral and non-polar, at codon 671 of the SON protein (p.Gln671Pro). This variant is present in population databases (rs780193414, gnomAD 0.004%). This variant has not been reported in the literature in individuals affected with SON-related conditions. An algorithm developed to predict the effect of missense changes on protein structure and function (PolyPhen-2) suggests that this variant is likely to be disruptive. In summary, the available evidence is currently insufficient to determine the role of this variant in disease. Therefore, it has been classified as a Variant of Uncertain Significance.

NM_138927.4(SON):c.2012A>C (p.Gln671Pro)

Gene: SON (SON DNA and RNA binding protein; plus strand). Cytogenetic location: 21q22.11.
Variant type: single nucleotide variant.
Coding change: c.2012A>C on transcript NM_138927.4 (MANE Select); coding-DNA position 2012, A replaced by C.
Protein change: p.Gln671Pro; replaces glutamine 671 with proline.
Molecular consequence: missense variant. On other transcripts: non-coding transcript variant (1), intron variant (1).
Genome position (GRCh38, 1-based): chr21:33,551,243, A>C. VCF-style: chr21-33551243-A-C. GRCh37 (hg19) VCF-style: chr21-34923549-A-C.
Other names: c.2012A>C, p.Gln671Pro (NM_001291411.2, NM_032195.3); c.244+4864A>C (NM_001291412.3); short protein forms Q671P.
Identifiers: ClinVar variation 3713287 (VCV003713287.2).